The following is an entry in ClinVar:

ClinVar aggregate classification (germline): Uncertain significance (1 of 4 stars; one submission).

Conditions:
Arrhythmogenic cardiomyopathy with wooly hair and keratoderma. Also called: PALMOPLANTAR KERATODERMA WITH LEFT VENTRICULAR CARDIOMYOPATHY AND WOOLLY HAIR; Carvajal syndrome; Dilated cardiomyopathy with woolly hair and keratoderma; Arrhythmogenic cardiomyopathy with woolly hair and keratoderma. Identifiers: Orphanet 65282, MedGen C1854063, MONDO:0011581, OMIM 605676.

Submission:

All of Us Research Program, National Institutes of Health
Classification: Uncertain significance for Arrhythmogenic cardiomyopathy with wooly hair and keratoderma. Last evaluated: 2023-06-28. Review status: criteria provided, single submitter. Criteria: ACMG Guidelines, 2015. Collection method: clinical testing. Allele origin: germline. Inheritance: Autosomal dominant inheritance. Observed: 1 variant allele, 1 heterozygote.
Comment: This study involves interpretation of variants in research participants for the purpose of population health screening. Participant phenotype was not available at the time of variant classification. Additional details can be found in publication PMID: 35346344, PMCID: PMC8962531

NM_004415.4(DSP):c.2014C>A (p.Leu672Met)

Gene: DSP (desmoplakin; plus strand). Cytogenetic location: 6p24.3.
Variant type: single nucleotide variant.
Coding change: c.2014C>A on transcript NM_004415.4 (MANE Select); coding-DNA position 2014, C replaced by A.
Protein change: p.Leu672Met; replaces leucine 672 with methionine.
Molecular consequence: missense variant.
Genome position (GRCh38, 1-based): chr6:7,571,952, C>A. VCF-style: chr6-7571952-C-A. GRCh37 (hg19) VCF-style: chr6-7572185-C-A.
Other names: c.2014C>A, p.Leu672Met (NM_001008844.3, NM_001319034.2); short protein forms L672M.
Identifiers: ClinVar variation 3072088 (VCV003072088.1), dbSNP rs1759068843, ClinGen allele CA362680364.